The following is an entry in ClinVar:

NM_020911.2(PLXNA4):c.1671G>A (p.Gln557=)

Gene: PLXNA4 (plexin A4; minus strand). Cytogenetic location: 7q32.3.
Variant type: single nucleotide variant.
Coding change: c.1671G>A on transcript NM_020911.2 (MANE Select); coding-DNA position 1671, G replaced by A.
Protein change: p.Gln557=; no amino-acid change (glutamine 557 retained).
Molecular consequence: synonymous variant.
Genome position (GRCh38, 1-based): chr7:132,228,403, C>T on the plus strand (G>A on the coding strand, the complement: PLXNA4 is on the minus strand). VCF-style: chr7-132228403-C-T. GRCh37 (hg19) VCF-style: chr7-131913162-C-T.
Other names: c.1671G>A, p.Gln557= (NM_001393897.1).
Identifiers: ClinVar variation 5001117 (VCV005001117.1).

ClinVar aggregate classification (germline): Likely benign (1 of 4 stars; one submission).

Conditions:
PLXNA4-related disorder. Also called: PLXNA4-related condition.

gnomAD v4.1: 3 of 1,614,192 alleles (0.00019%); highest among the groups gnomAD compares: South Asian, 0.0011%; no homozygotes.

Submission:

PreventionGenetics, part of Exact Sciences
Classification: Likely benign for PLXNA4-related condition. Last evaluated: 2025-02-07. Review status: criteria provided, single submitter. Criteria: ACMG Guidelines, 2015. Collection method: clinical testing. Allele origin: germline.
Comment: This variant is classified as likely benign based on ACMG/AMP sequence variant interpretation guidelines (Richards et al. 2015 PMID: 25741868, with internal and published modifications).